The following is an entry in ClinVar:

ClinVar aggregate classification (germline): Uncertain significance (1 of 4 stars; one submission).

Conditions:
Glycogen storage disease IXd (GSD9D). Also called: Muscle Phosphorylase Kinase Deficiency; GSD IXd. Identifiers: Orphanet 715, MedGen C1845151, MONDO:0010362, OMIM 300559.

gnomAD v4.1: 14 of 1,204,895 alleles (0.0012%); highest among the groups gnomAD compares: Non-Finnish European, 0.0016%; no homozygotes.

Submission:

Labcorp Genetics (formerly Invitae), Labcorp
Classification: Uncertain significance for Glycogen storage disease IXd. Last evaluated: 2025-12-15. Review status: criteria provided, single submitter. Criteria: Invitae Variant Classification Sherloc (09022015). Collection method: clinical testing. Allele origin: germline.
Comment: This sequence change replaces leucine, which is neutral and non-polar, with valine, which is neutral and non-polar, at codon 505 of the PHKA1 protein (p.Leu505Val). This variant is present in population databases (rs782424570, gnomAD 0.009%). This variant has not been reported in the literature in individuals affected with PHKA1-related conditions. Invitae Evidence Modeling of protein sequence and biophysical properties (such as structural, functional, and spatial information, amino acid conservation, physicochemical variation, residue mobility, and thermodynamic stability) indicates that this missense variant is expected to disrupt PHKA1 protein function with a positive predictive value of 80%. In summary, the available evidence is currently insufficient to determine the role of this variant in disease. Therefore, it has been classified as a Variant of Uncertain Significance.

NM_002637.4(PHKA1):c.1513C>G (p.Leu505Val)

Gene: PHKA1 (phosphorylase kinase regulatory subunit alpha 1; minus strand). Cytogenetic location: Xq13.1.
Variant type: single nucleotide variant.
Coding change: c.1513C>G on transcript NM_002637.4 (MANE Select); coding-DNA position 1513, C replaced by G.
Protein change: p.Leu505Val; replaces leucine 505 with valine.
Molecular consequence: missense variant.
Genome position (GRCh38, 1-based): chrX:72,636,333, G>C on the plus strand (C>G on the coding strand, the complement: PHKA1 is on the minus strand). VCF-style: chrX-72636333-G-C. GRCh37 (hg19) VCF-style: chrX-71856183-G-C.
Other names: c.1513C>G, p.Leu505Val (NM_001122670.2, NM_001172436.2, NM_001431068.1 and 2 more transcripts); short protein forms L505V.
Identifiers: ClinVar variation 4700590 (VCV004700590.1).